The following is an entry in ClinVar:

ClinVar aggregate classification (germline): Conflicting classifications of pathogenicity. Review status: criteria provided, conflicting classifications (1 of 4 stars). 3 submissions from 3 submitters: Uncertain significance (2); Benign (1). Last evaluated 2025-09-24.

Conditions:
CHARGE syndrome (CHARGE). Also called: CHARGE ASSOCIATION--COLOBOMA, HEART ANOMALY, CHOANAL ATRESIA, RETARDATION, GENITAL AND EAR ANOMALIES; Coloboma, heart anomaly, choanal atresia, retardation, genital and ear anomalies; CHARGE association; Hall-Hittner syndrome; Hittner Hirsch Kreh syndrome. Identifiers: Orphanet 138, MedGen C0265354, MONDO:0008965.
Hypogonadotropic hypogonadism 5 with or without anosmia (KAL5). Also called: HYPOGONADOTROPIC HYPOGONADISM 5 WITH ANOSMIA; HYPOGONADOTROPHIC HYPOGONADISM 5 WITHOUT ANOSMIA; CHD7-Related GnRH Deficiency (Kallmann Syndrome 5). Identifiers: Orphanet 478, MedGen C3552553, MONDO:0012880, OMIM 612370. Disease mechanism: loss of function.

Allele frequency attached by ClinVar (database versions not stated): gnomAD exomes 0.00002 and 0.00004; TOPMed 0.00002; ExAC 0.00004.
gnomAD v4.1: 14 of 1,614,022 alleles (0.00087%); highest among the groups gnomAD compares: Admixed American, 0.022%; no homozygotes.

Submissions (3):

Labcorp Genetics (formerly Invitae), Labcorp
Classification: Benign for CHARGE syndrome. Last evaluated: 2025-09-24. Review status: criteria provided, single submitter. Criteria: Invitae Variant Classification Sherloc (09022015). Collection method: clinical testing. Allele origin: germline.

Fulgent Genetics
Classification: Uncertain significance for CHD7-related CHARGE syndrome; Hypogonadotropic hypogonadism 5 with or without anosmia. Last evaluated: 2024-02-14. Review status: criteria provided, single submitter. Criteria: ACMG Guidelines, 2015. Collection method: clinical testing. Allele origin: germline.

GeneDx
Classification: Uncertain significance. Last evaluated: 2022-03-01. Review status: criteria provided, single submitter. Criteria: GeneDx Variant Classification Process June 2021. Collection method: clinical testing. Allele origin: germline. Affected: yes.
Comment: In silico analysis supports that this missense variant has a deleterious effect on protein structure/function; Has not been previously published as pathogenic or benign to our knowledge

NM_017780.4(CHD7):c.6278G>A (p.Cys2093Tyr)

Gene: CHD7 (chromodomain helicase DNA binding protein 7; plus strand). Cytogenetic location: 8q12.2.
Variant type: single nucleotide variant.
Coding change: c.6278G>A on transcript NM_017780.4 (MANE Select); coding-DNA position 6278, G replaced by A.
Protein change: p.Cys2093Tyr; replaces cysteine 2093 with tyrosine.
Molecular consequence: missense variant. On other transcripts: intron variant (1).
Genome position (GRCh38, 1-based): chr8:60,853,003, G>A. VCF-style: chr8-60853003-G-A. GRCh37 (hg19) VCF-style: chr8-61765562-G-A.
Other names: c.1717-9226G>A (NM_001316690.1); short protein forms C2093Y.
Identifiers: ClinVar variation 411181 (VCV000411181.14), dbSNP rs766776212, ClinGen allele CA4760563.